The following is an entry in ClinVar:

NM_144715.4(EFHB):c.1651_1652dup (p.Arg552fs)

Gene: EFHB (EF-hand domain family member B; minus strand). Cytogenetic location: 3p24.3.
Variant type: Duplication.
Coding change: c.1651_1652dup on transcript NM_144715.4 (MANE Select); coding-DNA positions 1651 to 1652, 2 bases duplicated (GT; older notation c.1651_1652dupGT).
Protein change: p.Arg552fs; shifts the reading frame from arginine 552.
Molecular consequence: frameshift variant.
Genome position (GRCh38, 1-based): chr3:19,896,760-19,896,761, AC duplicated on the plus strand (GT on the coding strand, the reverse complement: EFHB is on the minus strand). VCF-style (leftmost placement, unchanged base first): chr3-19896759-A-AAC. GRCh37 (hg19) VCF-style: chr3-19938251-A-AAC.
Other names: c.1261_1262dup, p.Arg422fs (NM_001330688.2); short protein forms R422fs, R552fs.
Identifiers: ClinVar variation 1206336 (VCV001206336.3), dbSNP rs748761364, ClinGen allele CA2283455.

ClinVar aggregate classification (germline): Likely pathogenic. Review status: criteria provided, single submitter (1 of 4 stars). 3 submissions from 3 submitters: Likely pathogenic (1). 2 of the submissions do not count toward it. Last evaluated 2026-04-01.

Conditions:
Primary ciliary dyskinesia. Also called: Ciliary dyskinesia. Identifiers: Orphanet 244, MedGen C0008780, MONDO:0016575, HP:0012265.

Allele frequency attached by ClinVar (database versions not stated): 1000 Genomes Project 30x 0.00031; ExAC 0.00039; ESP Exome Variant Server 0.00056; gnomAD exomes 0.00061 and 0.00084; gnomAD 0.00069 and 0.00070; TOPMed 0.00082.

Submissions (3):

Department of Human Genetics, Hannover Medical School
Classification: Likely pathogenic for Primary Ciliary Dyskinesia. Last evaluated: 2026-04-01. Review status: criteria provided, single submitter. Criteria: ACMG Guidelines, 2015. Collection method: research. Allele origin: germline. Affected: no.
Comment: Classification performed by HerediClassify using the following criteria:['PVS1_protein_very_strong: Transcript ENST00000295824 is predicted to undergo NMD.']

Clinical Genetics DNA and cytogenetics Diagnostics Lab, Erasmus MC, Erasmus Medical Center
Classification: Uncertain significance. Review status: no assertion criteria provided. Collection method: clinical testing. Allele origin: germline. Affected: yes. Study: VKGL Data-share Consensus. Not counted in ClinVar's aggregate classification.

Laboratory of Diagnostic Genome Analysis, Leiden University Medical Center (LUMC)
Classification: Uncertain significance. Review status: no assertion criteria provided. Collection method: clinical testing. Allele origin: germline. Affected: yes. Study: VKGL Data-share Consensus. Not counted in ClinVar's aggregate classification.